The following is an entry in ClinVar:

NM_000359.3(TGM1):c.463C>T (p.Arg155Trp)

Gene: TGM1 (transglutaminase 1; minus strand). Cytogenetic location: 14q12.
Variant type: single nucleotide variant.
Coding change: c.463C>T on transcript NM_000359.3 (MANE Select); coding-DNA position 463, C replaced by T.
Protein change: p.Arg155Trp; replaces arginine 155 with tryptophan.
Molecular consequence: missense variant.
Genome position (GRCh38, 1-based): chr14:24,261,740, G>A on the plus strand (C>T on the coding strand, the complement: TGM1 is on the minus strand). VCF-style: chr14-24261740-G-A. GRCh37 (hg19) VCF-style: chr14-24730946-G-A.
Other names: short protein forms R155W.
Identifiers: ClinVar variation 225488 (VCV000225488.22), dbSNP rs187901859, ClinGen allele CA7131407.

ClinVar aggregate classification (germline): Conflicting classifications of pathogenicity. Review status: criteria provided, conflicting classifications (1 of 4 stars). 6 submissions from 6 submitters: Uncertain significance (3); Likely benign (1). 2 of the submissions do not count toward it. Last evaluated 2026-01-28.

Conditions:
Autosomal recessive congenital ichthyosis 1 (LI1). Also called: ICHTHYOSIS, CONGENITAL, AUTOSOMAL RECESSIVE 1, WITH BATHING SUIT DISTRIBUTION; ICHTHYOSIS, CONGENITAL, AUTOSOMAL RECESSIVE 1, WITH OR WITHOUT BATHING SUIT DISTRIBUTION; COLLODION FETUS; DESQUAMATION OF NEWBORN; ICHTHYOSIS CONGENITA; ICHTHYOSIS CONGENITA II. Identifiers: MedGen C4551630, MONDO:0009441, OMIM 242300.
TGM1-related disorder. Also called: TGM1-related condition.

Allele frequency attached by ClinVar (database versions not stated): gnomAD 0.00016 and 0.00021; gnomAD exomes 0.00026 and 0.00051; TOPMed 0.00027; 1000 Genomes Project 30x 0.00047; ExAC 0.00056; 1000 Genomes Project 0.00060.
gnomAD v4.1: 400 of 1,614,122 alleles (0.025%); highest among the groups gnomAD compares: East Asian, 0.82%; 4 homozygotes.

Submissions (6):

Labcorp Genetics (formerly Invitae), Labcorp
Classification: Likely benign. Last evaluated: 2026-01-28. Review status: criteria provided, single submitter. Criteria: Invitae Variant Classification Sherloc (09022015). Collection method: clinical testing. Allele origin: germline.

Myriad Genetics, Inc.
Classification: Uncertain significance for Autosomal recessive congenital ichthyosis 1. Last evaluated: 2021-10-01. Review status: criteria provided, single submitter. Criteria: Myriad Women's Health Autosomal Recessive and X-Linked Classification Criteria (2021). Collection method: clinical testing. Allele origin: unknown.
Comment: NM_000359.2(TGM1):c.463C>T(R155W) is a missense variant classified as a variant of uncertain significance in the context of TGM1-related autosomal recessive congenital ichthyosis. R155W has been observed in cases with relevant disease (PMID: 19262603, 25154629, 20021785). Functional assessments of this variant are not available in the literature. R155W has been observed in population frequency databases (gnomAD: EAS 0.65%). In summary, there is insufficient evidence to classify NM_000359.2(TGM1):c.463C>T(R155W) as pathogenic or benign. Please note: this variant was assessed in the context of healthy population screening.

Illumina Laboratory Services, Illumina
Classification: Uncertain significance for Autosomal recessive congenital ichthyosis 1. Last evaluated: 2017-04-27. Review status: criteria provided, single submitter. Criteria: ICSL Variant Classification Criteria 13 December 2019. Collection method: clinical testing. Allele origin: germline.
Comment: This variant was observed as part of a predisposition screen in an ostensibly healthy population. A literature search was performed for the gene, cDNA change, and amino acid change (where applicable). Publications were found based on this search. However, the evidence from the literature, in combination with allele frequency data from public databases where available, was not sufficient to rule this variant in or out of causing disease. Therefore, this variant is classified as a variant of unknown significance.

Soonchunhyang University Bucheon Hospital, Soonchunhyang University Medical Center
Classification: Uncertain significance for Autosomal recessive congenital ichthyosis 1. Last evaluated: 2016-03-18. Review status: criteria provided, single submitter. Criteria: ACMG Guidelines, 2015. Collection method: reference population. Allele origin: germline. Observed: 2 variant alleles.

PreventionGenetics, part of Exact Sciences
Classification: Likely benign for TGM1-related condition. Last evaluated: 2020-07-09. Review status: no assertion criteria provided. Collection method: clinical testing. Allele origin: germline. Not counted in ClinVar's aggregate classification.
Comment: This variant is classified as likely benign based on ACMG/AMP sequence variant interpretation guidelines (Richards et al. 2015 PMID: 25741868, with internal and published modifications).

Natera, Inc.
Classification: Uncertain significance for Autosomal recessive congenital ichthyosis type 1. Last evaluated: 2019-11-13. Review status: no assertion criteria provided. Collection method: clinical testing. Allele origin: germline. Not counted in ClinVar's aggregate classification.

Literature cited by the submitters: PubMed 20021785 (cited by 3 submitters); PubMed 25154629 (cited by Myriad Genetics, Inc. and Illumina Laboratory Services, Illumina); PubMed 19262603 (cited by 3 submitters).